The following is an entry in ClinVar:

NM_001160372.4(TRAPPC9):c.990G>A (p.Ala330=)

Gene: TRAPPC9 (trafficking protein particle complex subunit 9; minus strand). Cytogenetic location: 8q24.3.
Variant type: single nucleotide variant.
Coding change: c.990G>A on transcript NM_001160372.4 (MANE Select); coding-DNA position 990, G replaced by A.
Protein change: p.Ala330=; no amino-acid change (alanine 330 retained).
Molecular consequence: synonymous variant. On other transcripts: non-coding transcript variant (1).
Genome position (GRCh38, 1-based): chr8:140,405,595, C>T on the plus strand (G>A on the coding strand, the complement: TRAPPC9 is on the minus strand). VCF-style: chr8-140405595-C-T. GRCh37 (hg19) VCF-style: chr8-141415694-C-T.
Other names: c.963G>A, p.Ala321= (NM_001321646.2); c.1011G>A, p.Ala337= (NM_001374682.1); c.990G>A, p.Ala330= (NM_001374683.1, NM_001374684.1, NM_031466.8); c.1284G>A (NM_031466.7).
Identifiers: ClinVar variation 2144196 (VCV002144196.5), dbSNP rs138461926, ClinGen allele CA4893577.

ClinVar aggregate classification (germline): Likely benign. Review status: criteria provided, single submitter (1 of 4 stars). 2 submissions from 2 submitters: Likely benign (1). 1 of the submissions does not count toward it. Last evaluated 2025-02-17.

Conditions:
TRAPPC9-related disorder. Also called: TRAPPC9-related condition.

Allele frequency attached by ClinVar (database versions not stated): gnomAD exomes 0.00001; ExAC 0.00002; TOPMed 0.00002; gnomAD 0.00003; ESP Exome Variant Server 0.00008; 1000 Genomes Project 0.00020; 1000 Genomes Project 30x 0.00031.
gnomAD v4.1: 22 of 1,614,044 alleles (0.0014%); highest among the groups gnomAD compares: African/African-American, 0.0067%; no homozygotes.

Submissions (2):

Labcorp Genetics (formerly Invitae), Labcorp
Classification: Likely benign. Last evaluated: 2025-02-17. Review status: criteria provided, single submitter. Criteria: Invitae Variant Classification Sherloc (09022015). Collection method: clinical testing. Allele origin: germline.

PreventionGenetics, part of Exact Sciences
Classification: Likely benign for TRAPPC9-related condition. Last evaluated: 2024-09-16. Review status: no assertion criteria provided. Collection method: clinical testing. Allele origin: germline. Not counted in ClinVar's aggregate classification.
Comment: This variant is classified as likely benign based on ACMG/AMP sequence variant interpretation guidelines (Richards et al. 2015 PMID: 25741868, with internal and published modifications).